The following is an entry in ClinVar:

ClinVar aggregate classification (germline): Uncertain significance. Review status: criteria provided, multiple submitters, no conflicts (2 of 4 stars). 2 submissions from 2 submitters: Uncertain significance (2). Last evaluated 2025-07-28.

Conditions:
Cohen syndrome (COH1). Also called: PEPPER SYNDROME; Cutis verticis gyrata, retinitis pigmentosa, and sensorineural deafness. Identifiers: Orphanet 193, MedGen C0265223, MONDO:0008999, OMIM 216550.
Inborn genetic diseases. Identifiers: MedGen C0950123, MeSH D030342.

Allele frequency attached by ClinVar (database versions not stated): gnomAD exomes below 0.00001.
gnomAD v4.1: 1 of 1,296,418 alleles (0.000077%); highest among the groups gnomAD compares: Non-Finnish European, 0.0001%; no homozygotes.

Submissions (2):

Labcorp Genetics (formerly Invitae), Labcorp
Classification: Uncertain significance for Cohen syndrome. Last evaluated: 2025-07-28. Review status: criteria provided, single submitter. Criteria: Invitae Variant Classification Sherloc (09022015). Collection method: clinical testing. Allele origin: germline.
Comment: This sequence change replaces serine, which is neutral and polar, with glycine, which is neutral and non-polar, at codon 3146 of the VPS13B protein (p.Ser3146Gly). This variant is not present in population databases (gnomAD no frequency). This variant has not been reported in the literature in individuals affected with VPS13B-related conditions. ClinVar contains an entry for this variant (Variation ID: 1766953). Invitae Evidence Modeling of protein sequence and biophysical properties (such as structural, functional, and spatial information, amino acid conservation, physicochemical variation, residue mobility, and thermodynamic stability) indicates that this missense variant is expected to disrupt VPS13B protein function with a positive predictive value of 80%. In summary, the available evidence is currently insufficient to determine the role of this variant in disease. Therefore, it has been classified as a Variant of Uncertain Significance.

Ambry Genetics
Classification: Uncertain significance for Inborn genetic diseases. Last evaluated: 2019-03-22. Review status: criteria provided, single submitter. Criteria: Ambry Variant Classification Scheme 2023. Collection method: clinical testing. Allele origin: germline.
Comment: The p.S3146G variant (also known as c.9436A>G), located in coding exon 51 of the VPS13B gene, results from an A to G substitution at nucleotide position 9436. The serine at codon 3146 is replaced by glycine, an amino acid with similar properties. This amino acid position is well conserved in available vertebrate species. In addition, the in silico prediction for this alteration is inconclusive. Since supporting evidence is limited at this time, the clinical significance of this alteration remains unclear.

NM_152564.5(VPS13B):c.9361A>G (p.Ser3121Gly)

Gene: VPS13B (vacuolar protein sorting 13 homolog B; plus strand). Cytogenetic location: 8q22.2.
Variant type: single nucleotide variant.
Coding change: c.9361A>G on transcript NM_152564.5 (MANE Select); coding-DNA position 9361, A replaced by G.
Protein change: p.Ser3121Gly; replaces serine 3121 with glycine.
Molecular consequence: missense variant.
Genome position (GRCh38, 1-based): chr8:99,832,399, A>G. VCF-style: chr8-99832399-A-G. GRCh37 (hg19) VCF-style: chr8-100844627-A-G.
Other names: c.9436A>G, p.Ser3146Gly (NM_017890.5); short protein forms S3121G, S3146G.
Identifiers: ClinVar variation 1766953 (VCV001766953.3), dbSNP rs1290851612, ClinGen allele CA371781153.
Genomic context (GRCh38, chr8:99,832,399, plus strand): 5'-GCATTTTTTTTTTTTTTTTTTTTTTTTTAGTATTTTCGTGTTCCAGACAGTGCTACTTTT[A>G]GCATTTGCCCAGGTGGAGAGCAGCCTGCTATGAAATCCAGCTCCCTTCCTTGCTGGGACT-3'
Protein context (NP_689777.3, residues 3111-3131): YFRVPDSATF[Ser3121Gly]ICPGGEQPAM